The following is an entry in ClinVar:

NM_000455.5(STK11):c.439C>T (p.Arg147Cys)

Gene: STK11 (serine/threonine kinase 11; plus strand). Cytogenetic location: 19p13.3.
Variant type: single nucleotide variant.
Coding change: c.439C>T on transcript NM_000455.5 (MANE Select); coding-DNA position 439, C replaced by T.
Protein change: p.Arg147Cys; replaces arginine 147 with cysteine.
Molecular consequence: missense variant.
Genome position (GRCh38, 1-based): chr19:1,219,388, C>T. VCF-style: chr19-1219388-C-T. GRCh37 (hg19) VCF-style: chr19-1219387-C-T.
Other names: short protein forms R147C.
Identifiers: ClinVar variation 216431 (VCV000216431.31), dbSNP rs748464757, ClinGen allele CA047635.
Genomic context (GRCh38, chr19:1,219,388, plus strand): 5'-ATGGTGATGGAGTACTGCGTGTGTGGCATGCAGGAAATGCTGGACAGCGTGCCGGAGAAG[C>T]GTTTCCCAGTGTGCCAGGCCCACGGGTGCGTGCGCGGGGCAGGGGCCAGGGTGGGGCGGG-3'
Protein context (NP_000446.1, residues 137-157): QEMLDSVPEK[Arg147Cys]FPVCQAHGYF

ClinVar aggregate classification (germline): Conflicting classifications of pathogenicity. Review status: criteria provided, conflicting classifications (1 of 4 stars). 10 submissions from 10 submitters: Uncertain significance (7); Likely benign (2). 1 of the submissions does not count toward it. Last evaluated 2026-02-01.

Conditions:
STK11-related disorder. Also called: STK11-related condition.
Hereditary cancer-predisposing syndrome. Also called: Neoplastic Syndromes, Hereditary; Tumor predisposition; Hereditary Cancer Syndrome; Hereditary neoplastic syndrome. Identifiers: Orphanet 140162, MedGen C0027672, MeSH D009386, MONDO:0015356.
Peutz-Jeghers syndrome (PJS). Also called: Peutz-Jeghers polyposis; Periorificial lentiginosis syndrome; POLYPOSIS, HAMARTOMATOUS INTESTINAL; POLYPS-AND-SPOTS SYNDROME. Identifiers: Orphanet 2869, MedGen C0031269, MeSH D010580, MONDO:0008280, OMIM 175200.

Allele frequency attached by ClinVar (database versions not stated): ExAC 0.00002; gnomAD 0.00002 and 0.00003; gnomAD exomes 0.00002 and 0.00003; TOPMed 0.00002.
gnomAD v4.1: 23 of 1,584,166 alleles (0.0015%); highest among the groups gnomAD compares: South Asian, 0.0091%; no homozygotes.

Submissions (10):

Labcorp Genetics (formerly Invitae), Labcorp
Classification: Likely benign for Peutz-Jeghers syndrome. Last evaluated: 2026-02-01. Review status: criteria provided, single submitter. Criteria: Invitae Variant Classification Sherloc (09022015). Collection method: clinical testing. Allele origin: germline.

PreventionGenetics, part of Exact Sciences
Classification: Uncertain significance for STK11-related condition. Last evaluated: 2025-08-09. Review status: criteria provided, single submitter. Criteria: ACMG Guidelines, 2015. Collection method: clinical testing. Allele origin: germline.
Comment: The STK11 c.439C>T variant is predicted to result in the amino acid substitution p.Arg147Cys. This variant was reported in individuals affected with melanoma (Bhai et al. 2021. PubMed ID: 34326862) and renal cell carcinoma (Nguyen et al. 2023. PubMed ID: 38127826). This variant is reported in 0.022% of alleles in individuals of East Asian descent in gnomAD and has conflicting interpretations regarding its pathogenicity in ClinVar, ranging from likely benign (2) to uncertain (6) (Variation ID: 216431). At this time, the clinical significance of this variant is uncertain due to the absence of conclusive functional and genetic evidence.

Color Diagnostics, LLC DBA Color Health
Classification: Uncertain significance for Hereditary cancer-predisposing syndrome. Last evaluated: 2025-03-04. Review status: criteria provided, single submitter. Criteria: ACMG Guidelines, 2015. Collection method: clinical testing. Allele origin: germline.
Comment: This missense variant replaces arginine with cysteine at codon 147 of the STK11 protein. Computational prediction is inconclusive regarding the impact of this variant on protein structure and function. To our knowledge, functional studies have not been reported for this variant. This variant has not been reported in individuals affected with STK11-related disorders in the literature. This variant has been identified in 6/252572 chromosomes in the general population by the Genome Aggregation Database (gnomAD). The available evidence is insufficient to determine the role of this variant in disease conclusively. Therefore, this variant is classified as a Variant of Uncertain Significance.

GeneDx
Classification: Uncertain significance. Last evaluated: 2024-09-05. Review status: criteria provided, single submitter. Criteria: GeneDx Variant Classification Process June 2021. Collection method: clinical testing. Allele origin: germline. Affected: yes.
Comment: In silico analysis supports that this missense variant has a deleterious effect on protein structure/function; Observed in an individual with melanoma (PMID: 34326862); This variant is associated with the following publications: (PMID: 26979979, 15863673, 32459922, 34326862)

All of Us Research Program, National Institutes of Health
Classification: Uncertain significance for Peutz-Jeghers syndrome. Last evaluated: 2024-08-13. Review status: criteria provided, single submitter. Criteria: ACMG Guidelines, 2015. Collection method: clinical testing. Allele origin: germline. Inheritance: Autosomal dominant inheritance. Observed: 12 variant alleles, 12 heterozygotes.
Comment: This missense variant replaces arginine with cysteine at codon 147 of the STK11 protein. Computational prediction is inconclusive regarding the impact of this variant on protein structure and function (internally defined REVEL score threshold 0.5 < inconclusive < 0.7, PMID: 27666373). To our knowledge, functional studies have not been reported for this variant. This variant has not been reported in individuals affected with hereditary cancer in the literature. This variant has been identified in 6/252572 chromosomes in the general population by the Genome Aggregation Database (gnomAD). The available evidence is insufficient to determine the role of this variant in disease conclusively. Therefore, this variant is classified as a Variant of Uncertain Significance.

This study involves interpretation of variants in research participants for the purpose of population health screening. Participant phenotype was not available at the time of variant classification. Additional details can be found in publication PMID: 35346344, PMCID: PMC8962531

Myriad Genetics, Inc.
Classification: Uncertain significance for Peutz-Jeghers syndrome. Last evaluated: 2023-04-12. Review status: criteria provided, single submitter. Criteria: Myriad Autosomal Dominant, Autosomal Recessive and X-Linked Classification Criteria (2023). Collection method: clinical testing. Allele origin: unknown.
Comment: This variant is classified as a variant of uncertain significance as there is insufficient evidence to determine its impact on protein function and/or cancer risk.

Ambry Genetics
Classification: Likely benign for Hereditary cancer-predisposing syndrome. Last evaluated: 2023-02-17. Review status: criteria provided, single submitter. Criteria: Ambry Variant Classification Scheme 2023. Collection method: clinical testing. Allele origin: germline.

Sema4
Classification: Uncertain significance for Hereditary cancer-predisposing syndrome. Last evaluated: 2021-09-11. Review status: criteria provided, single submitter. Criteria: Sema4 Curation Guidelines. Collection method: curation. Allele origin: germline.
Comment: The STK11 c.439C>T (p.R147C) variant has not been reported in the literature to our knowledge. It was observed in 4/17828 chromosomes of the East Asian subpopulation in the large and broad cohorts of the Genome Aggregation Database (PMID: 32461654). The variant has been reported in ClinVar (Variation ID 216431). Functional studies have not been performed, and in silico predictions of the variant's effect on protein function are inconclusive. The evidence is insufficient to meet ACMG/AMP criteria for classifying the variant as benign or pathogenic. Thus, the clinical significance of this variant is currently uncertain.

Genome-Nilou Lab
Classification: Uncertain significance for Peutz-Jeghers syndrome. Last evaluated: 2021-07-15. Review status: criteria provided, single submitter. Criteria: ACMG Guidelines, 2015. Collection method: clinical testing. Allele origin: germline. Affected: no.

Counsyl
Classification: Uncertain significance for Peutz-Jeghers syndrome. Last evaluated: 2018-01-26. Review status: no assertion criteria provided. Collection method: clinical testing. Allele origin: unknown. Not counted in ClinVar's aggregate classification.

Literature cited by the submitters: PubMed 32459922 (cited by Ambry Genetics).